The following is an entry in ClinVar:

ClinVar aggregate classification (germline): Benign (1 of 4 stars; one submission).

Conditions:
Peutz-Jeghers syndrome (PJS). Also called: POLYPOSIS, HAMARTOMATOUS INTESTINAL; POLYPS-AND-SPOTS SYNDROME; Peutz-Jeghers polyposis; Periorificial lentiginosis syndrome. Identifiers: Orphanet 2869, MedGen C0031269, MeSH D010580, MONDO:0008280, OMIM 175200.

Submission:

Myriad Genetics, Inc.
Classification: Benign for Peutz-Jeghers syndrome. Last evaluated: 2025-03-26. Review status: criteria provided, single submitter. Criteria: Myriad Autosomal Dominant, Autosomal Recessive and X-Linked Classification Criteria (2023). Collection method: clinical testing. Allele origin: unknown.
Comment: This variant is considered benign. This variant is a silent/synonymous amino acid change and it is not expected to impact splicing.

NM_000455.5(STK11):c.546G>C (p.Leu182=)

Gene: STK11 (serine/threonine kinase 11; plus strand). Cytogenetic location: 19p13.3.
Variant type: single nucleotide variant.
Coding change: c.546G>C on transcript NM_000455.5 (MANE Select); coding-DNA position 546, G replaced by C.
Protein change: p.Leu182=; no amino-acid change (leucine 182 retained).
Molecular consequence: synonymous variant. On other transcripts: non-coding transcript variant (1).
Genome position (GRCh38, 1-based): chr19:1,220,454, G>C. VCF-style: chr19-1220454-G-C. GRCh37 (hg19) VCF-style: chr19-1220453-G-C.
Other names: c.546G>C, p.Leu182= (NM_001407255.1).
Identifiers: ClinVar variation 3903481 (VCV003903481.1).